The following is an entry in ClinVar:

NM_001001670.3(SPATA31D1):c.1850T>C (p.Leu617Ser)

Gene: SPATA31D1 (SPATA31 subfamily D member 1; plus strand). Cytogenetic location: 9q21.32.
Variant type: single nucleotide variant.
Coding change: c.1850T>C on transcript NM_001001670.3 (MANE Select); coding-DNA position 1850, T replaced by C.
Protein change: p.Leu617Ser; replaces leucine 617 with serine.
Molecular consequence: missense variant.
Genome position (GRCh38, 1-based): chr9:81,992,320, T>C. VCF-style: chr9-81992320-T-C. GRCh37 (hg19) VCF-style: chr9-84607235-T-C.
Other names: short protein forms L617S.
Identifiers: ClinVar variation 4839133 (VCV004839133.1).
Genomic context (GRCh38, chr9:81,992,320, plus strand): 5'-TCCTGATTAGGATCTGTGGAGTGTGTTTTCATAGACCCCAGAACGAGGCACGGTCTCTTT[T>C]GCCATCTGAAATTAACCATCTGGAGTGGAACGTGTTGCAGAAAGTGCAGGAAAGTTTGTG-3'
Protein context (NP_001001670.1, residues 607-627): HRPQNEARSL[Leu617Ser]PSEINHLEWN

ClinVar aggregate classification (germline): Uncertain significance (1 of 4 stars; one submission).

Submission:

Ambry Genetics
Classification: Uncertain significance. Last evaluated: 2026-01-09. Review status: criteria provided, single submitter. Criteria: Ambry Variant Classification Scheme 2023. Collection method: clinical testing. Allele origin: germline.
Comment: The c.1850T>C (p.L617S) alteration is located in exon 4 (coding exon 4) of the SPATA31D1 gene. This alteration results from a T to C substitution at nucleotide position 1850, causing the leucine (L) at amino acid position 617 to be replaced by a serine (S). Based on data from gnomAD, the C allele has an overall frequency of <0.001% (1/248944) total alleles studied. The highest observed frequency was 0.001% (1/112706) of European (non-Finnish) alleles. Based on insufficient or conflicting evidence, the clinical significance of this alteration remains unclear.